The following is an entry in ClinVar:

NM_133261.3(GIPC3):c.*377C>T

Gene: GIPC3 (GIPC PDZ domain containing family member 3; plus strand). Cytogenetic location: 19p13.3.
Variant type: single nucleotide variant.
Coding change: c.*377C>T on transcript NM_133261.3 (MANE Select); 377 bases downstream of the stop codon, C replaced by T.
Molecular consequence: 3 prime UTR variant. On other transcripts: synonymous variant (1).
Genome position (GRCh38, 1-based): chr19:3,590,567, C>T. VCF-style: chr19-3590567-C-T. GRCh37 (hg19) VCF-style: chr19-3590565-C-T.
Other names: c.1329C>T, p.Thr443= (NM_001411144.1).
Identifiers: ClinVar variation 2648995 (VCV002648995.24), dbSNP rs1029603514, ClinGen allele CA304418109.

ClinVar aggregate classification (germline): Likely benign (1 of 4 stars; one submission).

Submission:

CeGaT Center for Human Genetics Tuebingen
Classification: Likely benign. Last evaluated: 2024-07-01. Review status: criteria provided, single submitter. Criteria: CeGaT Center For Human Genetics Tuebingen Variant Classification Criteria Version 2. Collection method: clinical testing. Allele origin: germline. Affected: yes. Observed: 3 variant alleles.
Comment: GIPC3: BP4, BP7